The following is an entry in ClinVar:

ClinVar aggregate classification (germline): Uncertain significance. Review status: criteria provided, multiple submitters, no conflicts (2 of 4 stars). 3 submissions from 3 submitters: Uncertain significance (3). Last evaluated 2025-05-08.

Conditions:
Charcot-Marie-Tooth disease type 2. Also called: Charcot-Marie-Tooth type 2. Identifiers: Orphanet 64746, MedGen C0270914, MONDO:0018993.

Allele frequency attached by ClinVar (database versions not stated): gnomAD exomes 0.00001; gnomAD 0.00001.
gnomAD v4.1: 9 of 1,613,130 alleles (0.00056%); highest among the groups gnomAD compares: East Asian, 0.013%; no homozygotes.

Submissions (3):

Women's Health and Genetics/Laboratory Corporation of America, LabCorp
Classification: Uncertain significance. Last evaluated: 2025-05-08. Review status: criteria provided, single submitter. Criteria: LabCorp Variant Classification Summary - May 2015. Collection method: clinical testing. Allele origin: germline.
Comment: Variant summary: KIF1B c.2906C>T (p.Ala969Val) results in a non-conservative amino acid change in the encoded protein sequence adjacent to the intron 26 / exon 27 3' splice acceptor site. Algorithms developed to predict the effect of missense changes on protein structure and function are either unavailable or do not agree on the potential impact of this missense change. Consensus agreement among computation tools predict no significant impact on normal splicing. However, these predictions have yet to be confirmed by functional studies. The variant was absent in 251016 control chromosomes. The available data on variant occurrences in the general population are insufficient to allow any conclusion about variant significance. To our knowledge, no occurrence of c.2906C>T in individuals affected with Charcot-Marie-Tooth disease type 2A1 and no experimental evidence demonstrating its impact on protein function have been reported. ClinVar contains an entry for this variant (Variation ID: 1797514). Based on the evidence outlined above, the variant was classified as uncertain significance.

Ambry Genetics
Classification: Uncertain significance. Last evaluated: 2025-04-22. Review status: criteria provided, single submitter. Criteria: Ambry Variant Classification Scheme 2023. Collection method: clinical testing. Allele origin: germline.
Comment: The p.A969V variant (also known as c.2906C>T) is located in coding exon 26 of the KIF1B gene. The alanine at codon 969 is replaced by valine, an amino acid with similar properties. This change occurs in the first base pair of coding exon 26. This amino acid position is well conserved in available vertebrate species. In addition, this alteration is predicted to be tolerated by in silico analysis. The evidence for this gene-disease relationship is limited; therefore, the clinical significance of this alteration is unclear.

Labcorp Genetics (formerly Invitae), Labcorp
Classification: Uncertain significance for Charcot-Marie-Tooth disease type 2. Last evaluated: 2024-10-13. Review status: criteria provided, single submitter. Criteria: Invitae Variant Classification Sherloc (09022015). Collection method: clinical testing. Allele origin: germline.
Comment: This sequence change replaces alanine, which is neutral and non-polar, with valine, which is neutral and non-polar, at codon 969 of the KIF1B protein (p.Ala969Val). This variant is not present in population databases (gnomAD no frequency). This variant has not been reported in the literature in individuals affected with KIF1B-related conditions. ClinVar contains an entry for this variant (Variation ID: 1797514). An algorithm developed to predict the effect of missense changes on protein structure and function (PolyPhen-2) suggests that this variant is likely to be tolerated. In summary, the available evidence is currently insufficient to determine the role of this variant in disease. Therefore, it has been classified as a Variant of Uncertain Significance.

NM_001365951.3(KIF1B):c.3044C>T (p.Ala1015Val)

Gene: KIF1B (kinesin family member 1B; plus strand). Cytogenetic location: 1p36.22.
Variant type: single nucleotide variant.
Coding change: c.3044C>T on transcript NM_001365951.3 (MANE Select); coding-DNA position 3044, C replaced by T.
Protein change: p.Ala1015Val; replaces alanine 1015 with valine.
Molecular consequence: missense variant.
Genome position (GRCh38, 1-based): chr1:10,336,657, C>T. VCF-style: chr1-10336657-C-T. GRCh37 (hg19) VCF-style: chr1-10396715-C-T.
Other names: c.3044C>T, p.Ala1015Val (NM_001365952.1); c.2906C>T, p.Ala969Val (NM_015074.3); short protein forms A969V, A1015V.
Identifiers: ClinVar variation 1797514 (VCV001797514.8), dbSNP rs1352833651, ClinGen allele CA338339238.
Genomic context (GRCh38, chr1:10,336,657, plus strand): 5'-TTCCCTCCCTCCCCCTGTGTAGTCTCACTCAATTCTTGCTAATTTTTTTTTCTGCTTTAG[C>T]GGATGAAGAAGCTCCTGATTATGGCTCTGGAATTCGACAGTCAGGAACAGCTAAAATATC-3'
Protein context (NP_001352880.1, residues 1005-1025): FLRVAVQAIA[Ala1015Val]DEEAPDYGSG